The following is an entry in ClinVar:

NM_007294.4(BRCA1):c.73C>A (p.Pro25Thr)

Gene: BRCA1 (BRCA1 DNA repair associated; minus strand). Cytogenetic location: 17q21.31.
Variant type: single nucleotide variant.
Coding change: c.73C>A on transcript NM_007294.4 (MANE Select); coding-DNA position 73, C replaced by A.
Protein change: p.Pro25Thr; replaces proline 25 with threonine.
Molecular consequence: missense variant. On other transcripts: 5 prime UTR variant (1), non-coding transcript variant (1).
Genome position (GRCh38, 1-based): chr17:43,124,024, G>T on the plus strand (C>A on the coding strand, the complement: BRCA1 is on the minus strand). VCF-style: chr17-43124024-G-T. GRCh37 (hg19) VCF-style: chr17-41276041-G-T.
Other names: c.-116C>A (NM_001407571.1, NM_001407853.1, NM_001407879.1 and 46 more transcripts); c.73C>A, p.Pro25Thr (NM_001407581.1, NM_001407582.1, NM_001407583.1 and 193 more transcripts); c.-185C>A (NM_001407694.1, NM_001407724.1, NM_001407727.1 and 11 more transcripts); c.-189C>A (NM_001407695.1, NM_001408465.1); c.-330C>A (NM_001407696.1); c.-214C>A (NM_001407697.1, NM_001407846.1, NM_001407920.1); c.-15C>A (NM_001407698.1, NM_001407732.1, NM_001407736.1 and 23 more transcripts); c.-188C>A (NM_001407725.1, NM_001407730.1, NM_001407734.1 and 22 more transcripts); and 8 more; short protein forms P25T.
Identifiers: ClinVar variation 55684 (VCV000055684.11), dbSNP rs397509313, ClinGen allele CA003845.

ClinVar aggregate classification (germline): Uncertain significance. Review status: criteria provided, multiple submitters, no conflicts (2 of 4 stars). 3 submissions from 3 submitters: Uncertain significance (2). 1 of the submissions does not count toward it. Last evaluated 2025-07-07.

Conditions:
Hereditary cancer-predisposing syndrome. Also called: Hereditary Cancer Syndrome; Hereditary neoplastic syndrome; Neoplastic Syndromes, Hereditary; Tumor predisposition. Identifiers: Orphanet 140162, MedGen C0027672, MeSH D009386, MONDO:0015356.
Hereditary breast ovarian cancer syndrome. Also called: BRCA1- and BRCA2-Associated Hereditary Breast and Ovarian Cancer; Hereditary breast and ovarian cancer syndrome; Hereditary breast and ovarian cancer syndrome (HBOC); Breast and ovarian cancer; Hereditary breast and/or ovarian cancer syndrome; Hereditary breast and ovarian cancer. Identifiers: Orphanet 145, MedGen C0677776, MeSH D061325, MONDO:0003582. Disease mechanism: loss of function.
Familial cancer of breast. Also called: hereditary breast carcinoma; BREAST CANCER, FAMILIAL; Hereditary breast cancer. Identifiers: Orphanet 227535, MedGen C0346153, MONDO:0016419, OMIM 114480. Disease mechanism: loss of function.

Allele frequency attached by ClinVar (database versions not stated): gnomAD exomes below 0.00001.

Submissions (4):

Labcorp Genetics (formerly Invitae), Labcorp
Classification: Uncertain significance for Hereditary breast ovarian cancer syndrome. Last evaluated: 2025-07-07. Review status: criteria provided, single submitter. Criteria: Invitae Variant Classification Sherloc (09022015). Collection method: clinical testing. Allele origin: germline.
Comment: This sequence change replaces proline, which is neutral and non-polar, with threonine, which is neutral and polar, at codon 25 of the BRCA1 protein (p.Pro25Thr). This variant is not present in population databases (gnomAD no frequency). This missense change has been observed in individual(s) with breast/ovarian cancer (PMID: 17020472). ClinVar contains an entry for this variant (Variation ID: 55684). Invitae Evidence Modeling incorporating data from in vitro experimental studies (PMID: 30209399) indicates that this missense variant is not expected to disrupt BRCA1 function with a negative predictive value of 95%. Experimental studies are conflicting or provide insufficient evidence to determine the effect of this variant on BRCA1 function (PMID: 25823446, 30209399). In summary, the available evidence is currently insufficient to determine the role of this variant in disease. Therefore, it has been classified as a Variant of Uncertain Significance.

Ambry Genetics
Classification: Uncertain significance for Hereditary cancer-predisposing syndrome. Last evaluated: 2015-10-26. Review status: criteria provided, single submitter. Criteria: Ambry Variant Classification Scheme 2023. Collection method: clinical testing. Allele origin: germline.
Comment: The p.P25T variant (also known as c.73C>A), located in coding exon 1 of the BRCA1 gene, results from a C to A substitution at nucleotide position 73. The proline at codon 25 is replaced by threonine, an amino acid with highly similar properties. This alteration has been reported in 3 unrelated familial breast/ovarian cancer patients from a cohort of 270 high-risk non-Ashkenazi Jewish families. Authors acknowledged that while no functional assessment was available for this alteration, based on interspecies conservation, amino acid change, and the apparent absence of the same alteration in the average risk population they concluded that this alteration was pathogenic, however not likely due to a founder effect (Kaufman B et al, Genet. Test. 2006; 10(3):200-7). This variant was not reported in population based cohorts in the following databases: Database of Single Nucleotide Polymorphisms (dbSNP), NHLBI Exome Sequencing Project (ESP), and 1000 Genomes Project. In the ESP, this variant was not observed in 6502 samples (13004 alleles) with coverage at this position. To date, this alteration has been detected with an allele frequency of approximately 0.001% (greater than 150000 alleles tested) in our clinical cohort. This amino acid position is highly conserved in available vertebrate species. In addition, this alteration is predicted to be deleterious by in silico analysis. Since supporting evidence is limited at this time, the clinical significance of p.P25T remains unclear.

Brotman Baty Institute, University of Washington
No classification provided (evidence only). Condition: Breast-ovarian cancer, familial 1. Review status: no classification provided. Collection method: in vitro. Allele origin: not applicable. Functional consequence: functionally_normal. Not counted in ClinVar's aggregate classification.
ClinVar note: "not provided" was previously submitted as the classification for the variant. However, the classification appeared to be based only on an observation of functional data so it was converted to no classification on 2025-07-30.

ClinVar Staff, National Center for Biotechnology Information (NCBI)
No classification provided. Condition: Familial cancer of breast. Review status: no classification provided. Collection method: literature only. Allele origin: germline. Affected: yes. Not counted in ClinVar's aggregate classification.

Literature cited by the submitters: PubMed 17020472 (cited by 3 submitters); PubMed 30209399 (cited by Labcorp Genetics (formerly Invitae), Labcorp); PubMed 25823446 (cited by Labcorp Genetics (formerly Invitae), Labcorp).